The following is an entry in ClinVar:

NM_003477.3(PDHX):c.970A>G (p.Ile324Val)

Gene: PDHX (pyruvate dehydrogenase complex component X; plus strand). Cytogenetic location: 11p13.
Variant type: single nucleotide variant.
Coding change: c.970A>G on transcript NM_003477.3 (MANE Select); coding-DNA position 970, A replaced by G.
Protein change: p.Ile324Val; replaces isoleucine 324 with valine.
Molecular consequence: missense variant. On other transcripts: intron variant (1).
Genome position (GRCh38, 1-based): chr11:34,978,129, A>G. VCF-style: chr11-34978129-A-G. GRCh37 (hg19) VCF-style: chr11-34999676-A-G.
Other names: c.790A>G, p.Ile264Val (NM_001135024.2); c.343-6441A>G (NM_001166158.2); short protein forms I324V, I264V.
Identifiers: ClinVar variation 951032 (VCV000951032.8), dbSNP rs768103465, ClinGen allele CA5946058.

ClinVar aggregate classification (germline): Uncertain significance. Review status: criteria provided, multiple submitters, no conflicts (2 of 4 stars). 3 submissions from 3 submitters: Uncertain significance (3). Last evaluated 2024-12-07.

Conditions:
Inborn genetic diseases. Identifiers: MedGen C0950123, MeSH D030342.
Pyruvate dehydrogenase E3-binding protein deficiency (PDHXD). Also called: E3-Binding Protein (Component X) Deficiency; LACTIC ACIDEMIA DUE TO DEFECT IN LIPOYL-CONTAINING COMPONENT X OF THE PYRUVATE DEHYDROGENASE COMPLEX; PYRUVATE HYDROGENASE E3-BINDING PROTEIN DEFICIENCY; Lacticacidemia due to PDX1 deficiency. Identifiers: Orphanet 255182, MedGen C1855553, MONDO:0009503, OMIM 245349.

Allele frequency attached by ClinVar (database versions not stated): ExAC 0.00001; gnomAD exomes 0.00001 and 0.00010; gnomAD 0.00006; TOPMed 0.00008.
gnomAD v4.1: 144 of 1,542,128 alleles (0.0093%); highest among the groups gnomAD compares: Non-Finnish European, 0.013%; no homozygotes.

Submissions (3):

Ambry Genetics
Classification: Uncertain significance for Inborn genetic diseases. Last evaluated: 2024-12-07. Review status: criteria provided, single submitter. Criteria: Ambry Variant Classification Scheme 2023. Collection method: clinical testing. Allele origin: germline.

Baylor Genetics
Classification: Uncertain significance for Pyruvate dehydrogenase E3-binding protein deficiency. Last evaluated: 2023-11-04. Review status: criteria provided, single submitter. Criteria: ACMG Guidelines, 2015. Collection method: clinical testing. Allele origin: unknown.

Labcorp Genetics (formerly Invitae), Labcorp
Classification: Uncertain significance. Last evaluated: 2022-05-27. Review status: criteria provided, single submitter. Criteria: Invitae Variant Classification Sherloc (09022015). Collection method: clinical testing. Allele origin: germline.
Comment: This sequence change replaces isoleucine, which is neutral and non-polar, with valine, which is neutral and non-polar, at codon 324 of the PDHX protein (p.Ile324Val). This variant is present in population databases (rs768103465, gnomAD 0.005%). In summary, the available evidence is currently insufficient to determine the role of this variant in disease. Therefore, it has been classified as a Variant of Uncertain Significance. Algorithms developed to predict the effect of missense changes on protein structure and function output the following: SIFT: "Tolerated"; PolyPhen-2: "Benign"; Align-GVGD: "Class C0". The valine amino acid residue is found in multiple mammalian species, which suggests that this missense change does not adversely affect protein function. ClinVar contains an entry for this variant (Variation ID: 951032). This variant has not been reported in the literature in individuals affected with PDHX-related conditions.